The following is an entry in ClinVar:

ClinVar aggregate classification (germline): Likely pathogenic (1 of 4 stars; one submission).

Conditions:
Autosomal recessive polycystic kidney disease (ARPKD). Also called: AR polycystic kidney disease. Identifiers: Orphanet 731, Orphanet 8378, MedGen C0085548, MeSH D017044, MONDO:0009889.

Submission:

Labcorp Genetics (formerly Invitae), Labcorp
Classification: Likely pathogenic for Autosomal recessive polycystic kidney disease. Last evaluated: 2020-12-16. Review status: criteria provided, single submitter. Criteria: Invitae Variant Classification Sherloc (09022015). Collection method: clinical testing. Allele origin: germline.
Comment: This variant has not been reported in the literature in individuals with PKHD1-related conditions. In summary, the currently available evidence indicates that the variant is pathogenic, but additional data are needed to prove that conclusively. Therefore, this variant has been classified as Likely Pathogenic. Algorithms developed to predict the effect of sequence changes on RNA splicing suggest that this variant may disrupt the consensus splice site, but this prediction has not been confirmed by published transcriptional studies. This variant is not present in population databases (ExAC no frequency). This sequence change affects an acceptor splice site in intron 60 of the PKHD1 gene. It is expected to disrupt RNA splicing. Variants that disrupt the donor or acceptor splice site typically lead to a loss of protein function (PMID: 16199547), and loss-of-function variants in PKHD1 are known to be pathogenic (PMID: 19940839).

Literature cited by the submitters: PubMed 16199547; PubMed 19940839.

NM_138694.4(PKHD1):c.10157-1G>T

Gene: PKHD1 (PKHD1 ciliary IPT domain containing fibrocystin/polyductin; minus strand). Cytogenetic location: 6p12.3.
Variant type: single nucleotide variant.
Coding change: c.10157-1G>T on transcript NM_138694.4 (MANE Select); the canonical splice acceptor site of the intron before coding-DNA position 10157, G replaced by T.
Molecular consequence: splice acceptor variant.
Genome position (GRCh38, 1-based): chr6:51,659,970, C>A on the plus strand (G>T on the coding strand, the complement: PKHD1 is on the minus strand). VCF-style: chr6-51659970-C-A. GRCh37 (hg19) VCF-style: chr6-51524768-C-A.
Identifiers: ClinVar variation 1517500 (VCV001517500.8), dbSNP rs2150418842, ClinGen allele CA364437715.